The following is an entry in ClinVar:

ClinVar aggregate classification (germline): Pathogenic (1 of 4 stars; one submission).

Conditions:
Breast-ovarian cancer, familial, susceptibility to, 2 (BROVCA2). Also called: BRCA2 Hereditary Breast and Ovarian Cancer. Identifiers: Orphanet 145, MedGen C2675520, MONDO:0012933, OMIM 612555. Disease mechanism: loss of function.

Submission:

Myriad Genetics, Inc.
Classification: Pathogenic for Breast-ovarian cancer, familial, susceptibility to, 2. Last evaluated: 2023-09-19. Review status: criteria provided, single submitter. Criteria: Myriad Autosomal Dominant, Autosomal Recessive and X-Linked Classification Criteria (2023). Collection method: clinical testing. Allele origin: unknown.
Comment: This variant is considered pathogenic. This variant creates a frameshift predicted to result in premature protein truncation.

NM_000059.4(BRCA2):c.8437_8438insTTTC (p.Gly2813fs)

Gene: BRCA2 (BRCA2 DNA repair associated; plus strand). Cytogenetic location: 13q13.1.
Variant type: Insertion.
Coding change: c.8437_8438insTTTC on transcript NM_000059.4 (MANE Select); coding-DNA positions 8437 to 8438, TTTC inserted.
Protein change: p.Gly2813fs; shifts the reading frame from glycine 2813.
Molecular consequence: frameshift variant. On other transcripts: non-coding transcript variant (1).
Genome position: GRCh38 VCF-style: chr13-32370507-G-GTTTC. GRCh37 (hg19) VCF-style: chr13-32944644-G-GTTTC.
Other names: c.8341_8342insTTTC, p.Gly2781fs (NM_001406719.1); c.8437_8438insTTTC, p.Gly2813fs (NM_001406720.1); c.3505_3506insTTTC, p.Gly1169fs (NM_001406721.1); c.2020_2021insTTTC, p.Gly674fs (NM_001406722.1); short protein forms G1169fs, G2781fs, G2813fs, G674fs.
Identifiers: ClinVar variation 2674555 (VCV002674555.1), dbSNP rs2548550133, ClinGen allele CA2695199694.